The following is an entry in ClinVar:

ClinVar aggregate classification (germline): Pathogenic (1 of 4 stars; one submission).

Submission:

Labcorp Genetics (formerly Invitae), Labcorp
Classification: Pathogenic. Last evaluated: 2022-03-22. Review status: criteria provided, single submitter. Criteria: Invitae Variant Classification Sherloc (09022015). Collection method: clinical testing. Allele origin: germline.
Comment: For these reasons, this variant has been classified as Pathogenic. This variant has not been reported in the literature in individuals affected with SLC24A5-related conditions. This variant is not present in population databases (gnomAD no frequency). This sequence change creates a premature translational stop signal (p.Gln45Asnfs*26) in the SLC24A5 gene. It is expected to result in an absent or disrupted protein product. Loss-of-function variants in SLC24A5 are known to be pathogenic (PMID: 23985994, 26686029).

Literature cited by the submitters: PubMed 23985994; PubMed 26686029.

NM_205850.3(SLC24A5):c.133del (p.Gln45fs)

Gene: SLC24A5 (solute carrier family 24 member 5; plus strand). Cytogenetic location: 15q21.1.
Variant type: Deletion.
Coding change: c.133del on transcript NM_205850.3 (MANE Select); coding-DNA position 133, one base deleted (C; older notation c.133delC).
Protein change: p.Gln45fs; shifts the reading frame from glutamine 45.
Molecular consequence: frameshift variant.
Genome position (GRCh38, 1-based): chr15:48,121,868, C deleted; the last of 3 consecutive C bases (chr15:48,121,866-48,121,868); deleting any one gives the same sequence. VCF-style (leftmost placement, unchanged base first): chr15-48121865-AC-A. GRCh37 (hg19) VCF-style: chr15-48414062-AC-A.
Other names: short protein forms Q45fs.
Identifiers: ClinVar variation 2115752 (VCV002115752.4), dbSNP rs2504569305, ClinGen allele CA2580089648.